The following is an entry in ClinVar:

ClinVar aggregate classification (germline): Uncertain significance. Review status: criteria provided, multiple submitters, no conflicts (2 of 4 stars). 3 submissions from 3 submitters: Uncertain significance (3). Last evaluated 2024-12-08.

Conditions:
Hereditary cancer-predisposing syndrome. Also called: Neoplastic Syndromes, Hereditary; Tumor predisposition; Hereditary neoplastic syndrome; Hereditary Cancer Syndrome. Identifiers: Orphanet 140162, MedGen C0027672, MeSH D009386, MONDO:0015356.
Parathyroid carcinoma (PRTC). Also called: Parathyroid gland carcinoma; CDC73-Related Parathyroid Carcinoma. Identifiers: Orphanet 143, MedGen C0687150, MONDO:0012004, OMIM 608266, HP:0006780.

Allele frequency attached by ClinVar (database versions not stated): gnomAD exomes below 0.00001 and 0.00001; TOPMed below 0.00001.
gnomAD v4.1: 8 of 1,611,216 alleles (0.0005%); highest among the groups gnomAD compares: Non-Finnish European, 0.00068%; no homozygotes.

Submissions (3):

Ambry Genetics
Classification: Uncertain significance for Hereditary cancer-predisposing syndrome. Last evaluated: 2024-12-08. Review status: criteria provided, single submitter. Criteria: Ambry Variant Classification Scheme 2023. Collection method: clinical testing. Allele origin: germline.
Comment: The p.P436R variant (also known as c.1307C>G), located in coding exon 14 of the CDC73 gene, results from a C to G substitution at nucleotide position 1307. The proline at codon 436 is replaced by arginine, an amino acid with dissimilar properties. This amino acid position is conserved. In addition, the in silico prediction for this alteration is inconclusive. Since supporting evidence is limited at this time, the clinical significance of this alteration remains unclear.

GeneDx
Classification: Uncertain significance. Last evaluated: 2024-08-23. Review status: criteria provided, single submitter. Criteria: GeneDx Variant Classification Process June 2021. Collection method: clinical testing. Allele origin: germline. Affected: yes.
Comment: Not observed at significant frequency in large population cohorts (gnomAD); In silico analysis supports that this missense variant has a deleterious effect on protein structure/function; Has not been previously published as pathogenic or benign to our knowledge; This variant is associated with the following publications: (PMID: 15923622)

Labcorp Genetics (formerly Invitae), Labcorp
Classification: Uncertain significance for Parathyroid carcinoma. Last evaluated: 2023-04-22. Review status: criteria provided, single submitter. Criteria: Invitae Variant Classification Sherloc (09022015). Collection method: clinical testing. Allele origin: germline.
Comment: In summary, the available evidence is currently insufficient to determine the role of this variant in disease. Therefore, it has been classified as a Variant of Uncertain Significance. Advanced modeling of protein sequence and biophysical properties (such as structural, functional, and spatial information, amino acid conservation, physicochemical variation, residue mobility, and thermodynamic stability) performed at Invitae indicates that this missense variant is not expected to disrupt CDC73 protein function. ClinVar contains an entry for this variant (Variation ID: 661358). This variant has not been reported in the literature in individuals affected with CDC73-related conditions. This variant is present in population databases (no rsID available, gnomAD 0.002%). This sequence change replaces proline, which is neutral and non-polar, with arginine, which is basic and polar, at codon 436 of the CDC73 protein (p.Pro436Arg).

NM_024529.5(CDC73):c.1307C>G (p.Pro436Arg)

Gene: CDC73 (cell division cycle 73; plus strand). Cytogenetic location: 1q31.2.
Variant type: single nucleotide variant.
Coding change: c.1307C>G on transcript NM_024529.5 (MANE Select); coding-DNA position 1307, C replaced by G.
Protein change: p.Pro436Arg; replaces proline 436 with arginine.
Molecular consequence: missense variant.
Genome position (GRCh38, 1-based): chr1:193,233,145, C>G. VCF-style: chr1-193233145-C-G. GRCh37 (hg19) VCF-style: chr1-193202275-C-G.
Other names: short protein forms P436R.
Identifiers: ClinVar variation 661358 (VCV000661358.12), dbSNP rs1344996460, ClinGen allele CA344078055.